The following is an entry in ClinVar:

ClinVar aggregate classification (germline): Likely benign. Review status: criteria provided, multiple submitters, no conflicts (2 of 4 stars). 2 submissions from 2 submitters: Likely benign (2). Last evaluated 2025-01-12.

Conditions:
SEMA3D-related disorder. Also called: SEMA3D-related condition.

Allele frequency attached by ClinVar (database versions not stated): gnomAD exomes 0.00003 and 0.00002; TOPMed 0.00006; gnomAD 0.00008 and 0.00009; 1000 Genomes Project 30x 0.00016; 1000 Genomes Project 0.00020; ExAC 0.00002.
gnomAD v4.1: 44 of 1,608,702 alleles (0.0027%); highest among the groups gnomAD compares: African/African-American, 0.024%; no homozygotes.

Submissions (2):

PreventionGenetics, part of Exact Sciences
Classification: Likely benign for SEMA3D-related condition. Last evaluated: 2025-01-12. Review status: criteria provided, single submitter. Criteria: ACMG Guidelines, 2015. Collection method: clinical testing. Allele origin: germline.
Comment: This variant is classified as likely benign based on ACMG/AMP sequence variant interpretation guidelines (Richards et al. 2015 PMID: 25741868, with internal and published modifications).

Labcorp Genetics (formerly Invitae), Labcorp
Classification: Likely benign. Last evaluated: 2019-12-31. Review status: criteria provided, single submitter. Criteria: Invitae Variant Classification Sherloc (09022015). Collection method: clinical testing. Allele origin: germline.

NM_001384900.1(SEMA3D):c.1704-5C>T

Gene: SEMA3D (semaphorin 3D; minus strand). Cytogenetic location: 7q21.11.
Variant type: single nucleotide variant.
Coding change: c.1704-5C>T on transcript NM_001384900.1 (MANE Select); 5 bases into the intron before coding-DNA position 1704, C replaced by T.
Molecular consequence: intron variant.
Genome position (GRCh38, 1-based): chr7:85,012,851, G>A on the plus strand (C>T on the coding strand, the complement: SEMA3D is on the minus strand). VCF-style: chr7-85012851-G-A. GRCh37 (hg19) VCF-style: chr7-84642167-G-A.
Other names: c.1704-5C>T (NM_001384901.1, NM_001384903.1, NM_001384902.1 and 1 more transcripts).
Identifiers: ClinVar variation 779920 (VCV000779920.5), dbSNP rs575976520, ClinGen allele CA4323318.